The following is an entry in ClinVar:

ClinVar aggregate classification (germline): Conflicting classifications of pathogenicity. Review status: criteria provided, conflicting classifications (1 of 4 stars). 3 submissions from 3 submitters: Uncertain significance (1); Likely benign (1). 1 of the submissions does not count toward it. Last evaluated 2023-10-27.

Conditions:
POLG-related disorder. Also called: POLG-Related Spectrum Disorders; POLG-related condition; POLG-Related Disorders. Identifiers: MedGen C4763519.
Progressive sclerosing poliodystrophy (MTDPS4A). Also called: Mitochondrial DNA depletion syndrome 4A (Alpers type); Mitochondrial DNA Depletion Syndrome 4A; Alpers Syndrome; ALPERS DIFFUSE DEGENERATION OF CEREBRAL GRAY MATTER WITH HEPATIC CIRRHOSIS; Alpers-Huttenlocher Syndrome; ALPERS PROGRESSIVE INFANTILE POLIODYSTROPHY. Identifiers: Orphanet 726, MedGen C0205710, MONDO:0008758, OMIM 203700.

Allele frequency attached by ClinVar (database versions not stated): TOPMed 0.00001.
gnomAD v4.1: 3 of 1,612,728 alleles (0.00019%); highest among the groups gnomAD compares: African/African-American, 0.004%; no homozygotes.

Submissions (3):

Labcorp Genetics (formerly Invitae), Labcorp
Classification: Likely benign for Progressive sclerosing poliodystrophy. Last evaluated: 2023-10-27. Review status: criteria provided, single submitter. Criteria: Invitae Variant Classification Sherloc (09022015). Collection method: clinical testing. Allele origin: germline.

Eurofins Ntd Llc (ga)
Classification: Uncertain significance. Last evaluated: 2017-08-24. Review status: criteria provided, single submitter. Criteria: EGL Classification Definitions 2015. Collection method: clinical testing. Allele origin: germline. Observed: 1 variant allele, 1 heterozygote.

PreventionGenetics, part of Exact Sciences
Classification: Likely benign for POLG-related condition. Last evaluated: 2024-08-26. Review status: no assertion criteria provided. Collection method: clinical testing. Allele origin: germline. Not counted in ClinVar's aggregate classification.
Comment: This variant is classified as likely benign based on ACMG/AMP sequence variant interpretation guidelines (Richards et al. 2015 PMID: 25741868, with internal and published modifications).

NM_002693.3(POLG):c.237C>G (p.Leu79=)

Genes: POLG (DNA polymerase gamma, catalytic subunit; minus strand), POLGARF (POLG alternative reading frame; minus strand). Cytogenetic location: 15q26.1.
Variant type: single nucleotide variant.
Coding change: c.237C>G on transcript NM_002693.3 (MANE Select); coding-DNA position 237, C replaced by G.
Protein change: p.Leu79=; no amino-acid change (leucine 79 retained).
Molecular consequence: synonymous variant.
Genome position (GRCh38, 1-based): chr15:89,333,518, G>C on the plus strand (C>G on the coding strand, the complement: POLG is on the minus strand). VCF-style: chr15-89333518-G-C. GRCh37 (hg19) VCF-style: chr15-89876749-G-C.
Other names: c.237C>G (NM_002693.2); c.237C>G, p.Leu79= (NM_001126131.2).
Identifiers: ClinVar variation 593804 (VCV000593804.9), dbSNP rs774537232, ClinGen allele CA7725154.